The following is an entry in ClinVar:

ClinVar aggregate classification (germline): Uncertain significance (1 of 4 stars; one submission).

Allele frequency attached by ClinVar (database versions not stated): gnomAD exomes below 0.00001; ExAC 0.00001.
gnomAD v4.1: 3 of 1,593,206 alleles (0.00019%); highest among the groups gnomAD compares: African/African-American, 0.0013%; no homozygotes.

Submission:

Labcorp Genetics (formerly Invitae), Labcorp
Classification: Uncertain significance. Last evaluated: 2022-04-06. Review status: criteria provided, single submitter. Criteria: Invitae Variant Classification Sherloc (09022015). Collection method: clinical testing. Allele origin: germline.
Comment: This variant has not been reported in the literature in individuals affected with TCF3-related conditions. Algorithms developed to predict the effect of missense changes on protein structure and function output the following: SIFT: "Not Available"; PolyPhen-2: "Not Available"; Align-GVGD: "Not Available". The valine amino acid residue is found in multiple mammalian species, which suggests that this missense change does not adversely affect protein function. In summary, the available evidence is currently insufficient to determine the role of this variant in disease. Therefore, it has been classified as a Variant of Uncertain Significance. The frequency data for this variant in the population databases is considered unreliable, as metrics indicate poor data quality at this position in the gnomAD database. This sequence change replaces methionine, which is neutral and non-polar, with valine, which is neutral and non-polar, at codon 415 of the TCF3 protein (p.Met415Val).

NM_003200.5(TCF3):c.1243A>G (p.Met415Val)

Gene: TCF3 (transcription factor 3; minus strand). Cytogenetic location: 19p13.3.
Variant type: single nucleotide variant.
Coding change: c.1243A>G on transcript NM_003200.5 (MANE Select); coding-DNA position 1243, A replaced by G.
Protein change: p.Met415Val; replaces methionine 415 with valine.
Molecular consequence: missense variant.
Genome position (GRCh38, 1-based): chr19:1,619,399, T>C on the plus strand (A>G on the coding strand, the complement: TCF3 is on the minus strand). VCF-style: chr19-1619399-T-C. GRCh37 (hg19) VCF-style: chr19-1619398-T-C.
Other names: c.1243A>G, p.Met415Val (NM_001136139.4, NM_001351779.2); c.1240A>G, p.Met414Val (NM_001351778.2); short protein forms M414V, M415V.
Identifiers: ClinVar variation 2173221 (VCV002173221.4), dbSNP rs780652788, ClinGen allele CA9049963.
Genomic context (GRCh38, chr19:1,619,399, plus strand): 5'-GTGACATGGGGCCGGTGAAACCTGAGGCCAGCGCCCCGTGGCCAGGCAGCAGCGTGTGCA[T>C]GTCGCCGGCTGTGCCCACGGCGTGGCTGCGGAGCACGTGGATGGCCTCGTCCAGGTGGTC-3'
Protein context (NP_003191.1, residues 405-425): RSHAVGTAGD[Met415Val]HTLLPGHGAL